The following is an entry in ClinVar:

ClinVar aggregate classification (germline): Uncertain significance (1 of 4 stars; one submission).

Conditions:
Inborn genetic diseases. Identifiers: MedGen C0950123, MeSH D030342.

Submission:

Ambry Genetics
Classification: Uncertain significance for Inborn genetic diseases. Last evaluated: 2025-05-25. Review status: criteria provided, single submitter. Criteria: Ambry Variant Classification Scheme 2023. Collection method: clinical testing. Allele origin: germline.
Comment: The p.K276M variant (also known as c.827A>T), located in coding exon 1 of the CEBPA gene, results from an A to T substitution at nucleotide position 827. The lysine at codon 276 is replaced by methionine, an amino acid with similar properties. This amino acid position is conserved. In addition, this alteration is predicted to be tolerated by in silico analysis. Based on the available evidence, the clinical significance of this variant remains unclear.

NM_004364.5(CEBPA):c.827A>T (p.Lys276Met)

Gene: CEBPA (CCAAT enhancer binding protein alpha; minus strand). Cytogenetic location: 19q13.11.
Variant type: single nucleotide variant.
Coding change: c.827A>T on transcript NM_004364.5 (MANE Select); coding-DNA position 827, A replaced by T.
Protein change: p.Lys276Met; replaces lysine 276 with methionine.
Molecular consequence: missense variant.
Genome position (GRCh38, 1-based): chr19:33,301,588, T>A on the plus strand (A>T on the coding strand, the complement: CEBPA is on the minus strand). VCF-style: chr19-33301588-T-A. GRCh37 (hg19) VCF-style: chr19-33792494-T-A.
Other names: c.470A>T, p.Lys157Met (NM_001285829.2); c.932A>T, p.Lys311Met (NM_001287424.2); c.785A>T, p.Lys262Met (NM_001287435.2); short protein forms K276M, K262M, K157M, K311M.
Identifiers: ClinVar variation 4000017 (VCV004000017.1).